The following continues an entry in ClinVar:

NM_007294.4(BRCA1):c.4117G>T (p.Glu1373Ter)

Gene: BRCA1. ClinVar aggregate classification (germline): Pathogenic. Pathogenic (1).

Submissions 9 to 18 of 18:

Baylor Genetics
Classification: Pathogenic for Breast-ovarian cancer, familial, susceptibility to, 1. Last evaluated: 2022-11-07. Review status: criteria provided, single submitter. Criteria: ACMG Guidelines, 2015. Collection method: clinical testing. Allele origin: unknown. Not counted in ClinVar's aggregate classification.

Women's Health and Genetics/Laboratory Corporation of America, LabCorp
Classification: Pathogenic for Hereditary breast ovarian cancer syndrome. Last evaluated: 2022-08-22. Review status: criteria provided, single submitter. Criteria: LabCorp Variant Classification Summary - May 2015. Collection method: clinical testing. Allele origin: germline. Not counted in ClinVar's aggregate classification.
Comment: Variant summary: BRCA1 c.4117G>T (p.Glu1373X) results in a premature termination codon, predicted to cause a truncation of the encoded protein or absence of the protein due to nonsense mediated decay, which are commonly known mechanisms for disease. Truncations downstream of this position have been classified as pathogenic by our laboratory. The variant was absent in 248774 control chromosomes (gnomAD). c.4117G>T has been reported in the literature in multiple individuals with breast and/or ovarian cancer, including individuals from families affected with Hereditary Breast And Ovarian Cancer Syndrome (e.g. Risch_2001, Nedelcu_2002, Kadouri_2007, Giannini_2006, Capalbo_2006, Safra_2013, Marchetti_2018, Santonocito_2020) . These data indicate that the variant is very likely to be associated with disease. To our knowledge, no experimental evidence demonstrating an impact on protein function has been reported. Eight submitters, including an expert panel (ENIGMA) have provided clinical-significance assessments for this variant to ClinVar after 2014 and all classified the variant as pathogenic. Based on the evidence outlined above, the variant was classified as pathogenic.

Consortium of Investigators of Modifiers of BRCA1/2 (CIMBA), c/o University of Cambridge
Classification: Pathogenic for Breast-ovarian cancer, familial, susceptibility to, 1. Last evaluated: 2015-10-02. Review status: criteria provided, single submitter. Criteria: CIMBA Mutation Classification guidelines May 2016. Collection method: clinical testing. Allele origin: germline. Not counted in ClinVar's aggregate classification.

PreventionGenetics, part of Exact Sciences
Classification: Pathogenic for BRCA1-related condition. Last evaluated: 2024-06-04. Review status: no assertion criteria provided. Collection method: clinical testing. Allele origin: germline. Not counted in ClinVar's aggregate classification.
Comment: The BRCA1 c.4117G>T variant is predicted to result in premature protein termination (p.Glu1373*). This variant was reported in multiple individuals with breast and ovarian cancer (Risch et al 2001. PubMed ID: 11179017; Palmero EI et al 2018. PubMed ID: 29907814; Table 4. Santonocito C et al 2020. PubMed ID: 32438681; Table 2.Abdel-Razeq H et al 2022. PubMed ID: 36537080; Table 2. Marchetti C et al 2018. PubMed ID: 30128899). This variant has not been reported in a large population database, indicating this variant is rare. This variant is interpreted as pathogenic in ClinVar. Nonsense variants in BRCA1 are expected to be pathogenic. This variant is interpreted as pathogenic.

Counsyl
Classification: Pathogenic for Breast-ovarian cancer, familial, susceptibility to, 1. Last evaluated: 2015-09-11. Review status: no assertion criteria provided. Collection method: clinical testing. Allele origin: unknown. Not counted in ClinVar's aggregate classification.

Research Molecular Genetics Laboratory, Women's College Hospital, University of Toronto
Classification: Pathogenic for Hereditary breast ovarian cancer syndrome. Last evaluated: 2014-01-31. Review status: no assertion criteria provided. Collection method: research. Allele origin: germline. Affected: yes. Study: The Canadian Open Genetics Repository (COGR). Not counted in ClinVar's aggregate classification.

Sharing Clinical Reports Project (SCRP)
Classification: Pathogenic for Breast-ovarian cancer, familial 1. Last evaluated: 2012-05-01. Review status: no assertion criteria provided. Collection method: clinical testing. Allele origin: germline. Not counted in ClinVar's aggregate classification.

Breast Cancer Information Core (BIC) (BRCA1)
Classification: Pathogenic for Breast-ovarian cancer, familial 1. Last evaluated: 2002-05-29. Review status: no assertion criteria provided. Collection method: clinical testing. Allele origin: germline. Affected: yes. Observed: 9 variant alleles. Not counted in ClinVar's aggregate classification.

Foulkes Cancer Genetics LDI, Lady Davis Institute for Medical Research
Classification: Pathogenic for Breast and/or ovarian cancer. Last evaluated: 2002-03-21. Review status: no assertion criteria provided. Collection method: clinical testing. Allele origin: germline. Study: The Canadian Open Genetics Repository (COGR). Not counted in ClinVar's aggregate classification.

Department of Pathology and Laboratory Medicine, Sinai Health System
Classification: Pathogenic for Malignant tumor of breast. Review status: no assertion criteria provided. Collection method: clinical testing. Allele origin: unknown. Affected: yes. Observed: 3 variant alleles. Study: The Canadian Open Genetics Repository (COGR). Not counted in ClinVar's aggregate classification.
Comment: The BRCA1 p.Glu1373X variant was identified in 5 of 2418 proband chromosomes (frequency: 0.002) from individuals or families with breast or ovarian cancer, and was not identified in 300 control chromosomes from healthy individuals (Al-Ansari 2013, Burcos 2013, Geisler 2002, Kadouri 2007, Risch 2001, Scheuer 2002). The variant was also identified in dbSNP (ID: rs80357259) â€šÃ„ÃºWith pathogenic alleleâ€šÃ„Ã¹, HGMD, the BIC database (9X with clinical importance), and UMD (1X as a causal variant). The variant was classified as a pathogenic variant by the Sharing Clinical Reports Project (SCRP) (submitted within the ClinVar database and derived from Myriad reports). The p.Glu1373X variant leads to a premature stop codon at position 1373, which is predicted to lead to a truncated or absent protein and loss of function. Loss of function variants of the BRCA1 gene are an established mechanism of disease in hereditary breast and ovarian cancer and is the type of variant expected to cause the disorder. In summary, based on the above information, this variant meets our laboratoryâ€šÃ„Ã´s criteria to be classified as pathogenic.

Literature cited by the submitters: PubMed 20104584 (cited by Labcorp Genetics (formerly Invitae), Labcorp); PubMed 11179017 (cited by 6 submitters); PubMed 17591842 (cited by 4 submitters); PubMed 26219728 (cited by Labcorp Genetics (formerly Invitae), Labcorp and All of Us Research Program, National Institutes of Health); PubMed 11773283 (cited by 4 submitters); PubMed 17233897 (cited by 5 submitters); PubMed 28486781 (cited by 3 submitters); PubMed 34290354 (cited by Quest Diagnostics Nichols Institute San Juan Capistrano); PubMed 31336956 (cited by Quest Diagnostics Nichols Institute San Juan Capistrano); PubMed 30606148 (cited by Quest Diagnostics Nichols Institute San Juan Capistrano); PubMed 29484706 (cited by Quest Diagnostics Nichols Institute San Juan Capistrano); PubMed 29446198 (cited by Quest Diagnostics Nichols Institute San Juan Capistrano); PubMed 32438681 (cited by 3 submitters); PubMed 33471991 (cited by Quest Diagnostics Nichols Institute San Juan Capistrano); PubMed 26187060 (cited by Quest Diagnostics Nichols Institute San Juan Capistrano); PubMed 29907814 (cited by Quest Diagnostics Nichols Institute San Juan Capistrano and All of Us Research Program, National Institutes of Health); PubMed 30128899 (cited by 3 submitters); PubMed 11938448 (cited by 3 submitters); PubMed 16760289 (cited by All of Us Research Program, National Institutes of Health and Women's Health and Genetics/Laboratory Corporation of America, LabCorp); PubMed 17661172 (cited by All of Us Research Program, National Institutes of Health); PubMed 21989022 (cited by All of Us Research Program, National Institutes of Health); PubMed 22762150 (cited by All of Us Research Program, National Institutes of Health); PubMed 16267036 (cited by Women's Health and Genetics/Laboratory Corporation of America, LabCorp); PubMed 16847550 (cited by Women's Health and Genetics/Laboratory Corporation of America, LabCorp); PubMed 24131973 (cited by Women's Health and Genetics/Laboratory Corporation of America, LabCorp); PubMed 25525159 (cited by Counsyl).